The following is an entry in ClinVar:

ClinVar aggregate classification (germline): Uncertain significance (1 of 4 stars; one submission).

Conditions:
Long QT syndrome (LQTS). Identifiers: MedGen C0023976, MeSH D008133, MONDO:0002442. Disease mechanism: loss of function. Inheritance: Various modes of inheritance.

Allele frequency attached by ClinVar (database versions not stated): gnomAD exomes below 0.00001; ExAC 0.00001; gnomAD 0.00001; TOPMed 0.00002.
gnomAD v4.1: 3 of 1,613,482 alleles (0.00019%); highest among the groups gnomAD compares: African/African-American, 0.004%; no homozygotes.

Submission:

Labcorp Genetics (formerly Invitae), Labcorp
Classification: Uncertain significance for Long QT syndrome. Last evaluated: 2021-10-16. Review status: criteria provided, single submitter. Criteria: Invitae Variant Classification Sherloc (09022015). Collection method: clinical testing. Allele origin: germline.
Comment: In summary, the available evidence is currently insufficient to determine the role of this variant in disease. Therefore, it has been classified as a Variant of Uncertain Significance. Algorithms developed to predict the effect of missense changes on protein structure and function (SIFT, PolyPhen-2, Align-GVGD) all suggest that this variant is likely to be tolerated. This variant has not been reported in the literature in individuals affected with AKAP9-related conditions. This variant is present in population databases (rs768083906, ExAC 0.01%). This sequence change replaces glutamic acid with glutamine at codon 1291 of the AKAP9 protein (p.Glu1291Gln). The glutamic acid residue is weakly conserved and there is a small physicochemical difference between glutamic acid and glutamine.

NM_005751.5(AKAP9):c.3871G>C (p.Glu1291Gln)

Gene: AKAP9 (A-kinase anchoring protein 9; plus strand). Cytogenetic location: 7q21.2.
Variant type: single nucleotide variant.
Coding change: c.3871G>C on transcript NM_005751.5 (MANE Select); coding-DNA position 3871, G replaced by C.
Protein change: p.Glu1291Gln; replaces glutamic acid 1291 with glutamine.
Molecular consequence: missense variant.
Genome position (GRCh38, 1-based): chr7:92,022,271, G>C. VCF-style: chr7-92022271-G-C. GRCh37 (hg19) VCF-style: chr7-91651585-G-C.
Other names: c.3871G>C, p.Glu1291Gln (NM_147185.3); short protein forms E1291Q.
Identifiers: ClinVar variation 1376307 (VCV001376307.6), dbSNP rs768083906, ClinGen allele CA4336420.
Genomic context (GRCh38, chr7:92,022,271, plus strand): 5'-CTGCTTTTATTCTGTGGTTTTCAATAGATCTGGGGACAGCAGACAGATGGTATGAAACTT[G>C]AATTTGGAGAAGAAAACCTTCCAAAAGAGGAAACAGAGTTTTTATCAATCCATTCTCAGA-3'
Protein context (NP_005742.4, residues 1281-1301): WGQQTDGMKL[Glu1291Gln]FGEENLPKEE